The following is an entry in ClinVar:

NM_005157.6(ABL1):c.1088A>C (p.Asp363Ala)

Gene: ABL1 (ABL proto-oncogene 1, non-receptor tyrosine kinase; plus strand). Cytogenetic location: 9q34.12.
Variant type: single nucleotide variant.
Coding change: c.1088A>C on transcript NM_005157.6 (MANE Select); coding-DNA position 1088, A replaced by C.
Protein change: p.Asp363Ala; replaces aspartic acid 363 with alanine.
Molecular consequence: missense variant.
Genome position (GRCh38, 1-based): chr9:130,874,870, A>C. VCF-style: chr9-130874870-A-C. GRCh37 (hg19) VCF-style: chr9-133750257-A-C.
Other names: c.1145A>C, p.Asp382Ala (NM_007313.3); short protein forms D363A, D382A.
Identifiers: ClinVar variation 3062320 (VCV003062320.1), dbSNP rs2490721921, ClinGen allele CA375249750.

ClinVar aggregate classification (germline): Likely pathogenic (1 of 4 stars; one submission).

Conditions:
Congenital heart defects and skeletal malformations syndrome. Identifiers: Orphanet 643503, MedGen C4539857, MONDO:0060532, OMIM 617602.

Submission:

Molecular Genetics Department, Kulakov National Medical Research Center for Obstetrics, Gynecology and Perinatology
Classification: Likely pathogenic for Congenital heart defects and skeletal malformations syndrome. Review status: criteria provided, single submitter. Criteria: ACMG Guidelines, 2015. Collection method: clinical testing. Allele origin: germline. Affected: yes.
Comment: A previously undescribed nucleotide variant creates a missense p.Asp363Ala in the ABL1 gene. Loss-of-function variants are reported in patients with Congenital heart defects and skeletal malformations syndrome, 617602. The variant is not present in population database (gnomAD no frequency). In summary, the currently available evidence indicates that the variant is pathogenic, but additional data are needed to prove that conclusively. Therefore, this variant has been classified as likely pathogenic.